The following is an entry in ClinVar:

NM_016239.4(MYO15A):c.1111C>A (p.Pro371Thr)

Gene: MYO15A (myosin XVA; plus strand). Cytogenetic location: 17p11.2.
Variant type: single nucleotide variant.
Coding change: c.1111C>A on transcript NM_016239.4 (MANE Select); coding-DNA position 1111, C replaced by A.
Protein change: p.Pro371Thr; replaces proline 371 with threonine.
Molecular consequence: missense variant.
Genome position (GRCh38, 1-based): chr17:18,119,911, C>A. VCF-style: chr17-18119911-C-A. GRCh37 (hg19) VCF-style: chr17-18023225-C-A.
Other names: NM_016239.4(MYO15A):c.1111C>A; short protein forms P371T.
Identifiers: ClinVar variation 423766 (VCV000423766.61), dbSNP rs200382813, ClinGen allele CA8423023.

ClinVar aggregate classification (germline): Likely benign. Review status: reviewed by expert panel (3 of 4 stars). 10 submissions from 10 submitters: Likely benign (1). 9 of the submissions do not count toward it. Last evaluated 2021-05-13.

Conditions:
MYO15A-related disorder. Also called: MYO15A-related condition.
Nonsyndromic genetic hearing loss. Also called: Nonsyndromic genetic deafness; Nonsyndromic hearing loss and deafness; Non-syndromic genetic deafness. Identifiers: Orphanet 87884, MedGen C5680182, MONDO:0019497.
Autosomal recessive nonsyndromic hearing loss 3. Also called: NEUROSENSORY NONSYNDROMIC RECESSIVE DEAFNESS 3. Identifiers: Orphanet 90636, MedGen C1838263, MONDO:0010860, OMIM 600316.

Allele frequency attached by ClinVar (database versions not stated): 1000 Genomes Project 30x 0.00031; 1000 Genomes Project 0.00040; ExAC 0.00136; gnomAD exomes 0.00142; gnomAD 0.00149 and 0.00153; TOPMed 0.00168; ESP Exome Variant Server 0.00226.
gnomAD v4.1: 4,179 of 1,613,448 alleles (0.26%); highest among the groups gnomAD compares: Non-Finnish European, 0.33%; 5 homozygotes.

Submissions (10):

ClinGen Hearing Loss Variant Curation Expert Panel
Classification: Likely benign for Nonsyndromic genetic hearing loss. Last evaluated: 2021-05-13. Review status: reviewed by expert panel. Criteria: clingen hl acmg specifications otof myo15a v1. Collection method: curation. Allele origin: germline. Inheritance: Autosomal recessive inheritance.
Comment: The c.1111C>A (p.Pro371Thr) variant in MYO15A was present in 0.208% (lower bound of the 95% CI of 295/128,454) of non-Finnish European alleles in gnomAD v2.1, which is a higher frequency than would be expected for an autosomal recessive pathogenic variant based on the thresholds defined by the ClinGen Hearing Loss Expert Panel (BS1_Supporting). Conservation analyses suggest that this variant may not impact the protein (BP4). In summary, the p.Pro371Thr variant in MYO15A variant meets criteria to be considered likely benign. ACMG/AMP criteria applied, as specified by the Hearing Loss Expert Panel: BS1_Supporting, BP4.

Labcorp Genetics (formerly Invitae), Labcorp
Classification: Likely benign. Last evaluated: 2026-02-02. Review status: criteria provided, single submitter. Criteria: Invitae Variant Classification Sherloc (09022015). Collection method: clinical testing. Allele origin: germline. Not counted in ClinVar's aggregate classification.

CeGaT Center for Human Genetics Tuebingen
Classification: Likely benign. Last evaluated: 2025-07-01. Review status: criteria provided, single submitter. Criteria: CeGaT Center For Human Genetics Tuebingen Variant Classification Criteria Version 2. Collection method: clinical testing. Allele origin: germline. Affected: yes. Observed: 6 variant alleles. Not counted in ClinVar's aggregate classification.
Comment: MYO15A: BP4, BS2

Blueprint Genetics
Classification: Likely benign. Last evaluated: 2024-11-26. Review status: criteria provided, single submitter. Criteria: ACMG Guidelines, 2015. Collection method: clinical testing. Allele origin: germline. Not counted in ClinVar's aggregate classification.

GeneDx
Classification: Likely benign. Last evaluated: 2020-10-29. Review status: criteria provided, single submitter. Criteria: GeneDx Variant Classification Process June 2021. Collection method: clinical testing. Allele origin: germline. Affected: yes. Not counted in ClinVar's aggregate classification.

Illumina Laboratory Services, Illumina
Classification: Uncertain significance for Autosomal recessive nonsyndromic hearing loss 3. Last evaluated: 2018-01-13. Review status: criteria provided, single submitter. Criteria: ICSL Variant Classification Criteria 13 December 2019. Collection method: clinical testing. Allele origin: germline. Not counted in ClinVar's aggregate classification.

ARUP Laboratories, Molecular Genetics and Genomics, ARUP Laboratories
Classification: Uncertain significance. Last evaluated: 2017-06-16. Review status: criteria provided, single submitter. Criteria: ARUP Molecular Germline Variant Investigation Process. Collection method: clinical testing. Allele origin: germline. Not counted in ClinVar's aggregate classification.
Comment: The p.Pro371Thr variant (rs200382813) has not been reported in the medical literature in association with hearing loss. It is listed in the NHLBI GO Exome Sequencing Project (ESP) with an allele frequency in European Americans of 0.34% (identified in 28 out of 8,352 chromosomes), and in the Genome Aggregation Database (gnomAD) with a frequency of 0.4% in the Ashkenazi Jewish population (identified in 151 out of 66,238 chromosomes) and has been reported to the ClinVar database (Variation ID: 423766). The proline at codon 371 is moderately conserved considering 11 species (Alamut software v2.8.1), and computational analyses suggest this variant does not have a significant effect on MYO15A protein structure/function (SIFT: tolerated, PolyPhen2: benign, and Mutation Taster: polymorphism). However, based on the available information, the clinical significance of the p.Pro371Thr variant cannot be determined with certainty.

Breakthrough Genomics
Classification: Likely benign. Review status: criteria provided, single submitter. Criteria: ACMG Guidelines, 2015. Collection method: not provided. Allele origin: germline. Inheritance: Autosomal recessive inheritance. Affected: yes. Not counted in ClinVar's aggregate classification.

PreventionGenetics, part of Exact Sciences
Classification: Likely benign for MYO15A-related condition. Last evaluated: 2023-08-04. Review status: no assertion criteria provided. Collection method: clinical testing. Allele origin: germline. Not counted in ClinVar's aggregate classification.
Comment: This variant is classified as likely benign based on ACMG/AMP sequence variant interpretation guidelines (Richards et al. 2015 PMID: 25741868, with internal and published modifications).

Department of Pathology and Laboratory Medicine, Sinai Health System
Classification: Uncertain significance. Review status: no assertion criteria provided. Collection method: clinical testing. Allele origin: unknown. Affected: yes. Study: The Canadian Open Genetics Repository (COGR). Not counted in ClinVar's aggregate classification.
Comment: The MYO15A p.Pro371Thr variant was identified in the literature as a heterozygous variant in an index patient from a four-generation family with nonsyndromic mild to severe hearing loss; a p.W2294* variant in the PTPRQ gene was also identified in this family (Eisenberger_2017_PMID:29309402). The variant was identified in dbSNP (ID: rs200382813), ClinVar (classified as uncertain significance by GeneDx and ARUP Laboratories) and LOVD 3.0 (classified as likely benign). The variant was identified in control databases in 393 of 280674 chromosomes (0 homozygous) at a frequency of 0.0014 increasing the likelihood this could be a low frequency benign variant (Genome Aggregation Database March 6, 2019, v2.1.1). The variant was observed in the following populations: Ashkenazi Jewish in 42 of 10360 chromosomes (freq: 0.004054), European (non-Finnish) in 295 of 128454 chromosomes (freq: 0.002297), Latino in 33 of 35370 chromosomes (freq: 0.000933), Other in 5 of 7140 chromosomes (freq: 0.0007), African in 13 of 24180 chromosomes (freq: 0.000538) and European (Finnish) in 5 of 25032 chromosomes (freq: 0.0002), but was not observed in the East Asian or South Asian populations. The p.Pro371 residue is not conserved in mammals and four out of five computational analyses (PolyPhen-2, SIFT, AlignGVGD, BLOSUM, MutationTaster) do not suggest a high likelihood of impact to the protein; however, this information is not predictive enough to rule out pathogenicity. The variant occurs outside of the splicing consensus sequence and in silico or computational prediction software programs (SpliceSiteFinder, MaxEntScan, NNSPLICE, GeneSplicer) do not predict a difference in splicing. In summary, based on the above information the clinical significance of this variant cannot be determined with certainty at this time. This variant is classified as a variant of uncertain significance.